The following is an entry in ClinVar:

ClinVar aggregate classification (germline): Uncertain significance (1 of 4 stars; one submission).

Submission:

Labcorp Genetics (formerly Invitae), Labcorp
Classification: Uncertain significance. Last evaluated: 2025-02-26. Review status: criteria provided, single submitter. Criteria: Invitae Variant Classification Sherloc (09022015). Collection method: clinical testing. Allele origin: germline.
Comment: This sequence change replaces valine, which is neutral and non-polar, with isoleucine, which is neutral and non-polar, at codon 389 of the GRIN2D protein (p.Val389Ile). This variant is present in population databases (no rsID available, gnomAD 0.0009%). This variant has not been reported in the literature in individuals affected with GRIN2D-related conditions. Invitae Evidence Modeling of protein sequence and biophysical properties (such as structural, functional, and spatial information, amino acid conservation, physicochemical variation, residue mobility, and thermodynamic stability) indicates that this missense variant is not expected to disrupt GRIN2D protein function with a negative predictive value of 95%. In summary, the available evidence is currently insufficient to determine the role of this variant in disease. Therefore, it has been classified as a Variant of Uncertain Significance.

NM_000836.4(GRIN2D):c.1165G>A (p.Val389Ile)

Gene: GRIN2D (glutamate ionotropic receptor NMDA type subunit 2D; plus strand). Cytogenetic location: 19q13.33.
Variant type: single nucleotide variant.
Coding change: c.1165G>A on transcript NM_000836.4 (MANE Select); coding-DNA position 1165, G replaced by A.
Protein change: p.Val389Ile; replaces valine 389 with isoleucine.
Molecular consequence: missense variant.
Genome position (GRCh38, 1-based): chr19:48,414,070, G>A. VCF-style: chr19-48414070-G-A. GRCh37 (hg19) VCF-style: chr19-48917327-G-A.
Other names: short protein forms V389I.
Identifiers: ClinVar variation 4807859 (VCV004807859.1).